The following is an entry in ClinVar:

NM_000038.6(APC):c.1009dup (p.Met337fs)

Gene: APC (APC regulator of Wnt signaling pathway; plus strand). Cytogenetic location: 5q22.2.
Variant type: Duplication.
Coding change: c.1009dup on transcript NM_000038.6 (MANE Select); coding-DNA position 1009, one base duplicated (A; older notation c.1009dupA).
Protein change: p.Met337fs; shifts the reading frame from methionine 337.
Molecular consequence: frameshift variant. On other transcripts: intron variant (4).
Genome position (GRCh38, 1-based): chr5:112,819,041, A duplicated. VCF-style (leftmost placement, unchanged base first): chr5-112819040-T-TA. GRCh37 (hg19) VCF-style: chr5-112154737-T-TA.
Other names: c.934-228dup (NM_001354903.2); c.757-228dup (NM_001354905.2); c.1009dup, p.Met337fs (NM_001127510.3, NM_001354895.2, NM_001354896.2); c.955dup, p.Met319fs (NM_001127511.3); c.1039dup, p.Met347fs (NM_001354897.2); c.934dup, p.Met312fs (NM_001354898.2); c.925dup, p.Met309fs (NM_001354899.2); c.832dup, p.Met278fs (NM_001354900.2, NM_001354901.2); and 3 more; short protein forms M312fs, M319fs, M54fs, M278fs, M309fs, M337fs, M347fs.
Identifiers: ClinVar variation 1364814 (VCV001364814.6), dbSNP rs2149779754, ClinGen allele CA2573138819.

ClinVar aggregate classification (germline): Pathogenic (1 of 4 stars; one submission).

Conditions:
Familial adenomatous polyposis 1 (FAP1). Also called: POLYPOSIS, ADENOMATOUS INTESTINAL; FAMILIAL ADENOMATOUS POLYPOSIS 1, ATTENUATED. Identifiers: MedGen C2713442, MONDO:0021056, OMIM 175100. Disease mechanism: loss of function.

Submission:

Labcorp Genetics (formerly Invitae), Labcorp
Classification: Pathogenic for Familial adenomatous polyposis 1. Last evaluated: 2021-08-06. Review status: criteria provided, single submitter. Criteria: Invitae Variant Classification Sherloc (09022015). Collection method: clinical testing. Allele origin: germline.
Comment: For these reasons, this variant has been classified as Pathogenic. This variant has not been reported in the literature in individuals affected with APC-related conditions. This variant is not present in population databases (ExAC no frequency). This sequence change creates a premature translational stop signal (p.Met337Asnfs*3) in the APC gene. It is expected to result in an absent or disrupted protein product. Loss-of-function variants in APC are known to be pathogenic (PMID: 17963004, 20685668).

Literature cited by the submitters: PubMed 17963004; PubMed 20685668.